The following is an entry in ClinVar:

ClinVar aggregate classification (germline): Likely benign (1 of 4 stars; one submission).

Conditions:
Marfan syndrome (MFS). Also called: MARFAN SYNDROME, TYPE I; Marfan syndrome type 1; Marfan's syndrome; Marfan syndrome, classic; FBN1-Related Marfan Syndrome. Identifiers: Orphanet 284963, Orphanet 558, MedGen C0024796, MONDO:0007947, OMIM 154700.

Allele frequency attached by ClinVar (database versions not stated): gnomAD 0.00001.
gnomAD v4.1: 1 of 1,613,542 alleles (0.000062%); highest among the groups gnomAD compares: African/African-American, 0.0013%; no homozygotes.

Submission:

All of Us Research Program, National Institutes of Health
Classification: Likely benign for Marfan syndrome. Last evaluated: 2023-12-13. Review status: criteria provided, single submitter. Criteria: ACMG Guidelines, 2015. Collection method: clinical testing. Allele origin: germline. Inheritance: Autosomal dominant inheritance. Observed: 1 variant allele, 1 heterozygote.
Comment: This study involves interpretation of variants in research participants for the purpose of population health screening. Participant phenotype was not available at the time of variant classification. Additional details can be found in publication PMID: 35346344, PMCID: PMC8962531

NM_000138.5(FBN1):c.1315C>A (p.Arg439=)

Gene: FBN1 (fibrillin 1; minus strand). Cytogenetic location: 15q21.1.
Variant type: single nucleotide variant.
Coding change: c.1315C>A on transcript NM_000138.5 (MANE Select); coding-DNA position 1315, C replaced by A.
Protein change: p.Arg439=; no amino-acid change (arginine 439 retained).
Molecular consequence: synonymous variant.
Genome position (GRCh38, 1-based): chr15:48,516,195, G>T on the plus strand (C>A on the coding strand, the complement: FBN1 is on the minus strand). VCF-style: chr15-48516195-G-T. GRCh37 (hg19) VCF-style: chr15-48808392-G-T.
Other names: c.1315C>A, p.Arg439= (NM_001406716.1).
Identifiers: ClinVar variation 3074793 (VCV003074793.1), dbSNP rs1195398902, ClinGen allele CA490028328.